The following is an entry in ClinVar:

ClinVar aggregate classification (germline): Likely benign (1 of 4 stars; one submission).

Conditions:
Peutz-Jeghers syndrome (PJS). Also called: POLYPOSIS, HAMARTOMATOUS INTESTINAL; POLYPS-AND-SPOTS SYNDROME; Peutz-Jeghers polyposis; Periorificial lentiginosis syndrome. Identifiers: Orphanet 2869, MedGen C0031269, MeSH D010580, MONDO:0008280, OMIM 175200.

Submission:

Myriad Genetics, Inc.
Classification: Likely benign for Peutz-Jeghers syndrome. Last evaluated: 2025-03-26. Review status: criteria provided, single submitter. Criteria: Myriad Autosomal Dominant, Autosomal Recessive and X-Linked Classification Criteria (2023). Collection method: clinical testing. Allele origin: unknown.
Comment: This variant is considered likely benign. This variant is intronic and is not expected to impact mRNA splicing.

NM_000455.5(STK11):c.598-17G>T

Gene: STK11 (serine/threonine kinase 11; plus strand). Cytogenetic location: 19p13.3.
Variant type: single nucleotide variant.
Coding change: c.598-17G>T on transcript NM_000455.5 (MANE Select); 17 bases into the intron before coding-DNA position 598, G replaced by T.
Molecular consequence: intron variant.
Genome position (GRCh38, 1-based): chr19:1,220,564, G>T. VCF-style: chr19-1220564-G-T. GRCh37 (hg19) VCF-style: chr19-1220563-G-T.
Other names: c.598-17G>T (NM_001407255.1).
Identifiers: ClinVar variation 3904327 (VCV003904327.1).